The following is an entry in ClinVar:

NM_003865.3(HESX1):c.220G>A (p.Val74Met)

Gene: HESX1 (HESX homeobox 1; minus strand). Cytogenetic location: 3p14.3.
Variant type: single nucleotide variant.
Coding change: c.220G>A on transcript NM_003865.3 (MANE Select); coding-DNA position 220, G replaced by A.
Protein change: p.Val74Met; replaces valine 74 with methionine.
Molecular consequence: missense variant.
Genome position (GRCh38, 1-based): chr3:57,198,890, C>T on the plus strand (G>A on the coding strand, the complement: HESX1 is on the minus strand). VCF-style: chr3-57198890-C-T. GRCh37 (hg19) VCF-style: chr3-57232918-C-T.
Other names: short protein forms V74M.
Identifiers: ClinVar variation 346285 (VCV000346285.14), dbSNP rs148422263, ClinGen allele CA2463296.
Genomic context (GRCh38, chr3:57,198,890, plus strand): 5'-AGGCTGAAAAGTAATTTTCATATTTCGAAGCTCTTTCTTCTGGCATTGGGTGATCCACCA[C>T]GCTAGGGAATGAAATCCCACTGGGAGGATTTGGGACATGTAGACATAAGTTACCATCTTT-3'
Protein context (NP_003856.1, residues 64-84): NPPSGISFPS[Val74Met]VDHPMPEERA

ClinVar aggregate classification (germline): Conflicting classifications of pathogenicity. Review status: criteria provided, conflicting classifications (1 of 4 stars). 5 submissions from 5 submitters: Uncertain significance (4); Likely benign (1). Last evaluated 2026-09-01.

Conditions:
Inborn genetic diseases. Identifiers: MedGen C0950123, MeSH D030342.
Septo-optic dysplasia sequence (SOD). Also called: Septo-optic dysplasia; DE MORSIER SYNDROME. Identifiers: Orphanet 3157, MedGen C0338503, MONDO:0008428, OMIM 182230, HP:0100842.
GROWTH HORMONE DEFICIENCY WITH PITUITARY ANOMALIES. Identifiers: MedGen C2750027, OMIM 182230.

Allele frequency attached by ClinVar (database versions not stated): TOPMed 0.00008; gnomAD exomes 0.00010 and 0.00011; ExAC 0.00012; gnomAD 0.00013 and 0.00014; ESP Exome Variant Server 0.00015.
gnomAD v4.1: 160 of 1,613,952 alleles (0.0099%); highest among the groups gnomAD compares: Non-Finnish European, 0.012%; no homozygotes.

Submissions (5):

CeGaT Center for Human Genetics Tuebingen
Classification: Uncertain significance. Last evaluated: 2026-09-01. Review status: criteria provided, single submitter. Criteria: CeGaT Center For Human Genetics Tuebingen Variant Classification Criteria Version 2. Collection method: clinical testing. Allele origin: germline. Affected: yes. Observed: 1 variant allele.
Comment: HESX1: PM2, BP4

Women's Health and Genetics/Laboratory Corporation of America, LabCorp
Classification: Uncertain significance. Last evaluated: 2026-04-03. Review status: criteria provided, single submitter. Criteria: LabCorp Variant Classification Summary - May 2015. Collection method: clinical testing. Allele origin: germline.
Comment: Variant summary: HESX1 c.220G>A (p.Val74Met) results in a conservative amino acid change in the encoded protein sequence. Algorithms developed to predict the effect of missense changes on protein structure and function all suggest that this variant is likely to be tolerated. The variant allele was found at a frequency of 0.00011 in 251322 control chromosomes. This frequency is not significantly higher than estimated for disease-causing variants in HESX1, allowing no conclusion about variant significance. To our knowledge, no occurrence of c.220G>A in individuals affected with HESX1-related conditions and no experimental evidence demonstrating its impact on protein function have been reported. ClinVar contains an entry for this variant (Variation ID: 346285). Based on the evidence outlined above, the variant was classified as uncertain significance.

Labcorp Genetics (formerly Invitae), Labcorp
Classification: Uncertain significance for GROWTH HORMONE DEFICIENCY WITH PITUITARY ANOMALIES; Septo-optic dysplasia sequence. Last evaluated: 2026-01-19. Review status: criteria provided, single submitter. Criteria: Invitae Variant Classification Sherloc (09022015). Collection method: clinical testing. Allele origin: germline.
Comment: This sequence change replaces valine, which is neutral and non-polar, with methionine, which is neutral and non-polar, at codon 74 of the HESX1 protein (p.Val74Met). This variant is present in population databases (rs148422263, gnomAD 0.02%). This variant has not been reported in the literature in individuals affected with HESX1-related conditions. ClinVar contains an entry for this variant (Variation ID: 346285). An algorithm developed to predict the effect of missense changes on protein structure and function outputs the following: PolyPhen-2: "Benign". The methionine amino acid residue is found in multiple mammalian species, which suggests that this missense change does not adversely affect protein function. In summary, the available evidence is currently insufficient to determine the role of this variant in disease. Therefore, it has been classified as a Variant of Uncertain Significance.

Ambry Genetics
Classification: Likely benign for Inborn genetic diseases. Last evaluated: 2024-11-27. Review status: criteria provided, single submitter. Criteria: Ambry Variant Classification Scheme 2023. Collection method: clinical testing. Allele origin: germline.

Illumina Laboratory Services, Illumina
Classification: Uncertain significance for Septo-optic dysplasia sequence. Last evaluated: 2018-01-12. Review status: criteria provided, single submitter. Criteria: ICSL Variant Classification Criteria 13 December 2019. Collection method: clinical testing. Allele origin: germline.